The following is an entry in ClinVar:

NM_006440.5(TXNRD2):c.1478C>T (p.Thr493Ile)

Gene: TXNRD2 (thioredoxin reductase 2; minus strand). Cytogenetic location: 22q11.21.
Variant type: single nucleotide variant.
Coding change: c.1478C>T on transcript NM_006440.5 (MANE Select); coding-DNA position 1478, C replaced by T.
Protein change: p.Thr493Ile; replaces threonine 493 with isoleucine.
Molecular consequence: missense variant. On other transcripts: non-coding transcript variant (1).
Genome position (GRCh38, 1-based): chr22:19,877,202, G>A on the plus strand (C>T on the coding strand, the complement: TXNRD2 is on the minus strand). VCF-style: chr22-19877202-G-A. GRCh37 (hg19) VCF-style: chr22-19864725-G-A.
Other names: c.1475C>T, p.Thr492Ile (NM_001352300.2); c.1388C>T, p.Thr463Ile (NM_001352301.2); c.1190C>T, p.Thr397Ile (NM_001352302.2); short protein forms T397I, T493I, T463I, T492I.
Identifiers: ClinVar variation 1773493 (VCV001773493.8), dbSNP rs375338503, ClinGen allele CA10103614.

ClinVar aggregate classification (germline): Uncertain significance. Review status: criteria provided, multiple submitters, no conflicts (2 of 4 stars). 2 submissions from 2 submitters: Uncertain significance (2). Last evaluated 2026-03-11.

Conditions:
Cardiovascular phenotype. Identifiers: MedGen CN230736.
Primary dilated cardiomyopathy (DCM). Also called: Dilated Cardiomyopathy. Identifiers: Orphanet 217604, MedGen C0007193, MeSH D002311, MONDO:0005021, HP:0001644. Inheritance: Various modes of inheritance.

Allele frequency attached by ClinVar (database versions not stated): gnomAD exomes below 0.00001; ExAC 0.00001; TOPMed 0.00001; gnomAD 0.00002; ESP Exome Variant Server 0.00008.
gnomAD v4.1: 7 of 1,611,450 alleles (0.00043%); highest among the groups gnomAD compares: Non-Finnish European, 0.00059%; no homozygotes.

Submissions (2):

Ambry Genetics
Classification: Uncertain significance for Cardiovascular phenotype. Last evaluated: 2026-03-11. Review status: criteria provided, single submitter. Criteria: Ambry Variant Classification Scheme 2023. Collection method: clinical testing. Allele origin: germline.

Labcorp Genetics (formerly Invitae), Labcorp
Classification: Uncertain significance for Primary dilated cardiomyopathy. Last evaluated: 2022-09-06. Review status: criteria provided, single submitter. Criteria: Invitae Variant Classification Sherloc (09022015). Collection method: clinical testing. Allele origin: germline.
Comment: In summary, the available evidence is currently insufficient to determine the role of this variant in disease. Therefore, it has been classified as a Variant of Uncertain Significance. Algorithms developed to predict the effect of missense changes on protein structure and function are either unavailable or do not agree on the potential impact of this missense change (SIFT: "Tolerated"; PolyPhen-2: "Probably Damaging"; Align-GVGD: "Class C0"). This variant has not been reported in the literature in individuals affected with TXNRD2-related conditions. This variant is present in population databases (rs375338503, gnomAD 0.002%). This sequence change replaces threonine, which is neutral and polar, with isoleucine, which is neutral and non-polar, at codon 493 of the TXNRD2 protein (p.Thr493Ile).